The following continues an entry in ClinVar:

NM_001048174.2(MUTYH):c.850-2A>G

Gene: MUTYH. ClinVar aggregate classification (germline): Conflicting classifications of pathogenicity. Uncertain significance (9); Likely benign (8).

Literature cited by the submitters, continued: PubMed 33024574 (cited by Quest Diagnostics Nichols Institute San Juan Capistrano); PubMed 32904697 (cited by Quest Diagnostics Nichols Institute San Juan Capistrano and Center for Genomic Medicine, Rigshospitalet, Copenhagen University Hospital); PubMed 32255556 (cited by Quest Diagnostics Nichols Institute San Juan Capistrano); PubMed 35273153 (cited by Quest Diagnostics Nichols Institute San Juan Capistrano); PubMed 36119527 (cited by Quest Diagnostics Nichols Institute San Juan Capistrano); PubMed 35264596 (cited by Quest Diagnostics Nichols Institute San Juan Capistrano and Dasa); PubMed 35098669 (cited by Quest Diagnostics Nichols Institute San Juan Capistrano); PubMed 35205332 (cited by Quest Diagnostics Nichols Institute San Juan Capistrano); PubMed 34994648 (cited by Quest Diagnostics Nichols Institute San Juan Capistrano); PubMed 30833417 (cited by 4 submitters); PubMed 31575519 (cited by Quest Diagnostics Nichols Institute San Juan Capistrano and Women's Health and Genetics/Laboratory Corporation of America, LabCorp); PubMed 30982232 (cited by Quest Diagnostics Nichols Institute San Juan Capistrano and Women's Health and Genetics/Laboratory Corporation of America, LabCorp); PubMed 15180946 (cited by 6 submitters); PubMed 26436112 (cited by 3 submitters); PubMed 24733792 (cited by 3 submitters); PubMed 34716202 (cited by 4 submitters); PubMed 24377541 (cited by Quest Diagnostics Nichols Institute San Juan Capistrano and Women's Health and Genetics/Laboratory Corporation of America, LabCorp); PubMed 25525159 (cited by Quest Diagnostics Nichols Institute San Juan Capistrano); PubMed 26689913 (cited by Quest Diagnostics Nichols Institute San Juan Capistrano); PubMed 30604180 (cited by Quest Diagnostics Nichols Institute San Juan Capistrano); PubMed 30833958 (cited by Quest Diagnostics Nichols Institute San Juan Capistrano); PubMed 32068069 (cited by Quest Diagnostics Nichols Institute San Juan Capistrano); PubMed 33077847 (cited by Quest Diagnostics Nichols Institute San Juan Capistrano); PubMed 33258288 (cited by Quest Diagnostics Nichols Institute San Juan Capistrano); PubMed 33471991 (cited by Quest Diagnostics Nichols Institute San Juan Capistrano and Women's Health and Genetics/Laboratory Corporation of America, LabCorp); PubMed 32906206 (cited by Quest Diagnostics Nichols Institute San Juan Capistrano); PubMed 33563768 (cited by Quest Diagnostics Nichols Institute San Juan Capistrano); PubMed 33858029 (cited by Quest Diagnostics Nichols Institute San Juan Capistrano); PubMed 34687117 (cited by Quest Diagnostics Nichols Institute San Juan Capistrano); PubMed 18271935 (cited by 5 submitters); PubMed 15890374 (cited by 5 submitters); PubMed 28251689 (cited by Quest Diagnostics Nichols Institute San Juan Capistrano and Women's Health and Genetics/Laboratory Corporation of America, LabCorp); PubMed 26296696 (cited by Quest Diagnostics Nichols Institute San Juan Capistrano and Women's Health and Genetics/Laboratory Corporation of America, LabCorp); PubMed 28495237 (cited by Quest Diagnostics Nichols Institute San Juan Capistrano); PubMed 28195393 (cited by Quest Diagnostics Nichols Institute San Juan Capistrano and Women's Health and Genetics/Laboratory Corporation of America, LabCorp); PubMed 28445943 (cited by Quest Diagnostics Nichols Institute San Juan Capistrano and Women's Health and Genetics/Laboratory Corporation of America, LabCorp); PubMed 29431110 (cited by Quest Diagnostics Nichols Institute San Juan Capistrano and Ambry Genetics); PubMed 30093976 (cited by Quest Diagnostics Nichols Institute San Juan Capistrano and Women's Health and Genetics/Laboratory Corporation of America, LabCorp); PubMed 29093764 (cited by Quest Diagnostics Nichols Institute San Juan Capistrano and Women's Health and Genetics/Laboratory Corporation of America, LabCorp); PubMed 31360874 (cited by Quest Diagnostics Nichols Institute San Juan Capistrano); PubMed 26837502 (cited by Quest Diagnostics Nichols Institute San Juan Capistrano and Women's Health and Genetics/Laboratory Corporation of America, LabCorp); PubMed 25927356 (cited by Quest Diagnostics Nichols Institute San Juan Capistrano and Women's Health and Genetics/Laboratory Corporation of America, LabCorp); PubMed 33309985 (cited by Quest Diagnostics Nichols Institute San Juan Capistrano and Women's Health and Genetics/Laboratory Corporation of America, LabCorp); PubMed 30886832 (cited by Quest Diagnostics Nichols Institute San Juan Capistrano and Women's Health and Genetics/Laboratory Corporation of America, LabCorp); PubMed 35534218 (cited by Quest Diagnostics Nichols Institute San Juan Capistrano); PubMed 37310942 (cited by Quest Diagnostics Nichols Institute San Juan Capistrano); PubMed 27443514 (cited by Women's Health and Genetics/Laboratory Corporation of America, LabCorp); PubMed 22641385 (cited by Women's Health and Genetics/Laboratory Corporation of America, LabCorp); PubMed 28135145 (cited by Women's Health and Genetics/Laboratory Corporation of America, LabCorp); PubMed 28526081 (cited by Women's Health and Genetics/Laboratory Corporation of America, LabCorp and Ambry Genetics); PubMed 34897210 (cited by Women's Health and Genetics/Laboratory Corporation of America, LabCorp); PubMed 27077130 (cited by Ambry Genetics); PubMed 28166811 (cited by Ambry Genetics); PubMed 26684149 (cited by Baylor Genetics).